The following is an entry in ClinVar:

ClinVar aggregate classification (germline): Uncertain significance. Review status: criteria provided, multiple submitters, no conflicts (2 of 4 stars). 3 submissions from 3 submitters: Uncertain significance (3). Last evaluated 2024-07-22.

Conditions:
Hereditary cancer-predisposing syndrome. Also called: Neoplastic Syndromes, Hereditary; Tumor predisposition; Hereditary Cancer Syndrome; Hereditary neoplastic syndrome. Identifiers: Orphanet 140162, MedGen C0027672, MeSH D009386, MONDO:0015356.
Microcephaly, normal intelligence and immunodeficiency (NBS). Also called: IMMUNODEFICIENCY, MICROCEPHALY, AND CHROMOSOMAL INSTABILITY; SEEMANOVA SYNDROME II; Nijmegen breakage syndrome; Microcephaly with normal intelligence immunodeficiency and lymphoreticular malignancies; Nonsyndromal microcephaly autosomal recessive with normal intelligence; Seemanova syndrome 2. Identifiers: Orphanet 647, MedGen C0398791, MONDO:0009623, OMIM 251260.

Submissions (3):

Labcorp Genetics (formerly Invitae), Labcorp
Classification: Uncertain significance for Microcephaly, normal intelligence and immunodeficiency. Last evaluated: 2024-07-22. Review status: criteria provided, single submitter. Criteria: Invitae Variant Classification Sherloc (09022015). Collection method: clinical testing. Allele origin: germline.
Comment: This sequence change replaces threonine, which is neutral and polar, with isoleucine, which is neutral and non-polar, at codon 158 of the NBN protein (p.Thr158Ile). This variant is not present in population databases (gnomAD no frequency). This variant has not been reported in the literature in individuals affected with NBN-related conditions. ClinVar contains an entry for this variant (Variation ID: 1742761). An algorithm developed to predict the effect of missense changes on protein structure and function (PolyPhen-2) suggests that this variant is likely to be disruptive. In summary, the available evidence is currently insufficient to determine the role of this variant in disease. Therefore, it has been classified as a Variant of Uncertain Significance.

GeneDx
Classification: Uncertain significance. Last evaluated: 2024-05-16. Review status: criteria provided, single submitter. Criteria: GeneDx Variant Classification Process June 2021. Collection method: clinical testing. Allele origin: germline. Affected: yes.
Comment: Not observed at significant frequency in large population cohorts (gnomAD); In silico analysis supports that this missense variant has a deleterious effect on protein structure/function; Has not been previously published as pathogenic or benign to our knowledge; This variant is associated with the following publications: (PMID: 24894818)

Ambry Genetics
Classification: Uncertain significance for Hereditary cancer-predisposing syndrome. Last evaluated: 2020-11-03. Review status: criteria provided, single submitter. Criteria: Ambry Variant Classification Scheme 2023. Collection method: clinical testing. Allele origin: germline.
Comment: The p.T158I variant (also known as c.473C>T), located in coding exon 4 of the NBN gene, results from a C to T substitution at nucleotide position 473. The threonine at codon 158 is replaced by isoleucine, an amino acid with similar properties. This amino acid position is highly conserved in available vertebrate species. In addition, this alteration is predicted to be deleterious by in silico analysis. Since supporting evidence is limited at this time, the clinical significance of this alteration remains unclear.

NM_002485.5(NBN):c.473C>T (p.Thr158Ile)

Gene: NBN (nibrin; minus strand). Cytogenetic location: 8q21.3.
Variant type: single nucleotide variant.
Coding change: c.473C>T on transcript NM_002485.5 (MANE Select); coding-DNA position 473, C replaced by T.
Protein change: p.Thr158Ile; replaces threonine 158 with isoleucine.
Molecular consequence: missense variant.
Genome position (GRCh38, 1-based): chr8:89,980,741, G>A on the plus strand (C>T on the coding strand, the complement: NBN is on the minus strand). VCF-style: chr8-89980741-G-A. GRCh37 (hg19) VCF-style: chr8-90992969-G-A.
Other names: c.227C>T, p.Thr76Ile (NM_001024688.3); short protein forms T158I, T76I.
Identifiers: ClinVar variation 1742761 (VCV001742761.5), dbSNP rs1271849120, ClinGen allele CA371661483.